The following is an entry in ClinVar:

ClinVar aggregate classification (germline): Uncertain significance. Review status: criteria provided, multiple submitters, no conflicts (2 of 4 stars). 4 submissions from 4 submitters: Uncertain significance (4). Last evaluated 2025-07-16.

Conditions:
PRKAG2-related disorder. Also called: PRKAG2-related disorders; PRKAG2-related condition.
Hypertrophic cardiomyopathy 6. Identifiers: MedGen C1833236, MONDO:0010946, OMIM 600858.
Lethal congenital glycogen storage disease of heart. Also called: GLYCOGEN STORAGE DISEASE OF HEART; PHOSPHORYLASE KINASE DEFICIENCY OF HEART. Identifiers: Orphanet 439854, MedGen C1849813, MONDO:0009867, OMIM 261740.
Wolff-Parkinson-White pattern. Also called: WPW SYNDROME; Auriculoventricular accessory pathway syndrome; False bundle branch block syndrome; Anomalous ventricular excitation syndrome. Identifiers: MedGen C0043202, MONDO:0008685, OMIM 194200, HP:0001716.

Allele frequency attached by ClinVar (database versions not stated): gnomAD exomes below 0.00001.
gnomAD v4.1: 1 of 1,614,206 alleles (0.000062%); highest among the groups gnomAD compares: African/African-American, 0.0013%; no homozygotes.

Submissions (4):

PreventionGenetics, part of Exact Sciences
Classification: Uncertain significance for PRKAG2-related condition. Last evaluated: 2025-07-16. Review status: criteria provided, single submitter. Criteria: ACMG Guidelines, 2015. Collection method: clinical testing. Allele origin: germline.
Comment: The PRKAG2 c.620C>G variant is predicted to result in the amino acid substitution p.Ser207Cys. This variant was reported as a variant of uncertain significance in individuals with dilated cardiomyopathy (Walsh et al. 2017. PubMed ID: 27532257; Burstein et al. 2020. PubMed ID: 32746448). This variant has not been reported in a large population database (gnomAD), indicating this variant is rare. At this time, the clinical significance of this variant is uncertain due to the absence of conclusive functional and genetic evidence.

Labcorp Genetics (formerly Invitae), Labcorp
Classification: Uncertain significance for Lethal congenital glycogen storage disease of heart. Last evaluated: 2021-12-02. Review status: criteria provided, single submitter. Criteria: Invitae Variant Classification Sherloc (09022015). Collection method: clinical testing. Allele origin: germline.
Comment: This sequence change replaces serine, which is neutral and polar, with cysteine, which is neutral and slightly polar, at codon 207 of the PRKAG2 protein (p.Ser207Cys). This variant is not present in population databases (gnomAD no frequency). This missense change has been observed in individual(s) with dilated cardiomyopathy (PMID: 27532257, 32746448). ClinVar contains an entry for this variant (Variation ID: 45729). Advanced modeling of protein sequence and biophysical properties (such as structural, functional, and spatial information, amino acid conservation, physicochemical variation, residue mobility, and thermodynamic stability) performed at Invitae indicates that this missense variant is not expected to disrupt PRKAG2 protein function. In summary, the available evidence is currently insufficient to determine the role of this variant in disease. Therefore, it has been classified as a Variant of Uncertain Significance.

Fulgent Genetics
Classification: Uncertain significance for Wolff-Parkinson-White pattern; Lethal congenital glycogen storage disease of heart; Hypertrophic cardiomyopathy 6. Last evaluated: 2021-09-09. Review status: criteria provided, single submitter. Criteria: ACMG Guidelines, 2015. Collection method: clinical testing. Allele origin: unknown.

Laboratory for Molecular Medicine, Mass General Brigham Personalized Medicine
Classification: Uncertain significance. Last evaluated: 2012-07-06. Review status: criteria provided, single submitter. Criteria: LMM Criteria. Collection method: clinical testing. Allele origin: germline. Observed: 1 variant allele.
Comment: Variant classified as Uncertain Significance - Favor Benign. The Ser207Cys varia nt in PRKAG2 has not been reported in the literature nor previously identified i n >1500 Caucasian probands tested by our laboratory. In addition, this variant h as not been identified in large and broad populations by the NHLBI Exome Sequenc ing Project. This low frequency is consistent with a disease causing role but insufficient to establish this with confidence. Computational analyses (biochemical amino acid properties, conservation, AlignG VGD, PolyPhen2, and SIFT) suggest that the Ser207Cys variant may not impact the protein, though this information is not predictive enough to rule out pathogenic ity. In addition, the variant is located outside the CBS domain of the PRKAG2 pr otein that contains all pathogenic PRKAG2 variants have been identified to date. Additional information is needed to fully assess the clinical significance of the Ser207Cys variant.

Literature cited by the submitters: PubMed 27532257 (cited by Labcorp Genetics (formerly Invitae), Labcorp); PubMed 32746448 (cited by Labcorp Genetics (formerly Invitae), Labcorp).

NM_016203.4(PRKAG2):c.620C>G (p.Ser207Cys)

Gene: PRKAG2 (protein kinase AMP-activated non-catalytic subunit gamma 2; minus strand). Cytogenetic location: 7q36.1.
Variant type: single nucleotide variant.
Coding change: c.620C>G on transcript NM_016203.4 (MANE Select); coding-DNA position 620, C replaced by G.
Protein change: p.Ser207Cys; replaces serine 207 with cysteine.
Molecular consequence: missense variant.
Genome position (GRCh38, 1-based): chr7:151,675,484, G>C on the plus strand (C>G on the coding strand, the complement: PRKAG2 is on the minus strand). VCF-style: chr7-151675484-G-C. GRCh37 (hg19) VCF-style: chr7-151372570-G-C.
Other names: c.488C>G, p.Ser163Cys (NM_001040633.2); c.248C>G, p.Ser83Cys (NM_001304527.2, NM_001363698.2); short protein forms S207C, S163C, S83C.
Identifiers: ClinVar variation 45729 (VCV000045729.21), dbSNP rs397517277, ClinGen allele CA014426.